The following is an entry in ClinVar:

NM_017849.4(TMEM127):c.398A>G (p.His133Arg)

Gene: TMEM127 (transmembrane protein 127; minus strand). Cytogenetic location: 2q11.2.
Variant type: single nucleotide variant.
Coding change: c.398A>G on transcript NM_017849.4 (MANE Select); coding-DNA position 398, A replaced by G.
Protein change: p.His133Arg; replaces histidine 133 with arginine.
Molecular consequence: missense variant.
Genome position (GRCh38, 1-based): chr2:96,254,844, T>C on the plus strand (A>G on the coding strand, the complement: TMEM127 is on the minus strand). VCF-style: chr2-96254844-T-C. GRCh37 (hg19) VCF-style: chr2-96920582-T-C.
Other names: c.398A>G, p.His133Arg (NM_001193304.3); short protein forms H133R.
Identifiers: ClinVar variation 142056 (VCV000142056.19), dbSNP rs587782203, ClinGen allele CA167272.

ClinVar aggregate classification (germline): Conflicting classifications of pathogenicity. Review status: criteria provided, conflicting classifications (1 of 4 stars). 6 submissions from 6 submitters: Pathogenic (1); Likely pathogenic (2); Uncertain significance (2). 1 of the submissions does not count toward it. Last evaluated 2026-07-06.

Conditions:
Hereditary cancer-predisposing syndrome. Also called: Neoplastic Syndromes, Hereditary; Hereditary Cancer Syndrome; Tumor predisposition; Hereditary neoplastic syndrome. Identifiers: Orphanet 140162, MedGen C0027672, MeSH D009386, MONDO:0015356.
Hereditary pheochromocytoma and paraganglioma. Also called: Hereditary Paraganglioma-Pheochromocytoma Syndromes; Hereditary paragangliomas and pheochromocytomas; Hereditary pheochromocytoma-paraganglioma. Identifiers: Orphanet 29072, MedGen C4274332, MONDO:0017366.
Pheochromocytoma. Also called: MAX-Related Hereditary Paraganglioma-Pheochromocytoma Syndrome. Identifiers: Orphanet 29072, MedGen C0031511, MONDO:0008233, OMIM 171300, HP:0002666.
Pheochromocytoma, susceptibility to. Identifiers: MedGen C3149711.

Allele frequency attached by ClinVar (database versions not stated): gnomAD exomes 0.00001 and 0.00002; ExAC 0.00002; TOPMed 0.00002; gnomAD 0.00003.

Submissions (6):

Ambry Genetics
Classification: Pathogenic for Hereditary cancer-predisposing syndrome. Last evaluated: 2026-07-06. Review status: criteria provided, single submitter. Criteria: Ambry Variant Classification Scheme 2023. Collection method: clinical testing. Allele origin: germline.
Comment: The p.H133R pathogenic mutation (also known as c.398A>G), located in coding exon 2 of the TMEM127 gene, results from an A to G substitution at nucleotide position 398. The histidine at codon 133 is replaced by arginine, an amino acid with highly similar properties. This amino acid position is highly conserved in available vertebrate species. This variant is considered to be rare based on population cohorts in the Genome Aggregation Database (gnomAD). In addition, this alteration is predicted to be deleterious by in silico analysis. Based on the supporting evidence, this variant is interpreted as a disease-causing mutation.

Labcorp Genetics (formerly Invitae), Labcorp
Classification: Likely pathogenic for Hereditary pheochromocytoma and paraganglioma. Last evaluated: 2026-01-27. Review status: criteria provided, single submitter. Criteria: Invitae Variant Classification Sherloc (09022015). Collection method: clinical testing. Allele origin: germline.
Comment: This sequence change replaces histidine, which is basic and polar, with arginine, which is basic and polar, at codon 133 of the TMEM127 protein (p.His133Arg). This variant is present in population databases (rs587782203, gnomAD 0.004%). This missense change has been observed in individuals with clinical features of paraganglioma-pheochromocytoma syndromes (PMID: 33051659; internal data). ClinVar contains an entry for this variant (Variation ID: 142056). An algorithm developed to predict the effect of missense changes on protein structure and function (PolyPhen-2) suggests that this variant is likely to be disruptive. In summary, the currently available evidence indicates that the variant is pathogenic, but additional data are needed to prove that conclusively. Therefore, this variant has been classified as Likely Pathogenic.

Myriad Genetics, Inc.
Classification: Likely pathogenic for Hereditary pheochromocytoma and paraganglioma. Last evaluated: 2026-01-14. Review status: criteria provided, single submitter. Criteria: Myriad Autosomal Dominant, Autosomal Recessive and X-Linked Classification Criteria (2023). Collection method: clinical testing. Allele origin: unknown.
Comment: This variant is considered likely pathogenic. This variant has been reported in multiple individuals with clinical features of gene-specific disease [PMID: 33051659, 34870338, External communications 2026].

Baylor Genetics
Classification: Uncertain significance for Pheochromocytoma. Last evaluated: 2024-03-28. Review status: criteria provided, single submitter. Criteria: ACMG Guidelines, 2015. Collection method: clinical testing. Allele origin: unknown.

Blueprint Genetics
Classification: Uncertain significance. Last evaluated: 2023-01-26. Review status: criteria provided, single submitter. Criteria: ACMG Guidelines, 2015. Collection method: clinical testing. Allele origin: germline.

Knight Diagnostic Laboratories, Oregon Health and Sciences University
Classification: Uncertain significance for Susceptibility to pheochromocytoma. Last evaluated: 2015-12-04. Review status: no assertion criteria provided. Criteria: ACMG Guidelines, 2015. Collection method: clinical testing. Allele origin: germline. Affected: no. Study: CSER-NextGen. Not counted in ClinVar's aggregate classification.

Literature cited by the submitters: PubMed 33051659 (cited by 3 submitters); PubMed 34870338 (cited by Ambry Genetics and Myriad Genetics, Inc.).